The following is an entry in ClinVar:

NM_000277.3(PAH):c.632del (p.Pro211fs)

Gene: PAH (phenylalanine hydroxylase; minus strand). Cytogenetic location: 12q23.2.
Variant type: Deletion.
Coding change: c.632del on transcript NM_000277.3 (MANE Select); coding-DNA position 632, one base deleted (C; older notation c.632delC).
Protein change: p.Pro211fs; shifts the reading frame from proline 211.
Molecular consequence: frameshift variant.
Genome position (GRCh38, 1-based): chr12:102,855,210, G deleted on the plus strand (C on the coding strand, the reverse complement: PAH is on the minus strand); the first of 2 consecutive G bases (chr12:102,855,210-102,855,211); deleting either gives the same sequence. VCF-style (leftmost placement, unchanged base first): chr12-102855209-TG-T. GRCh37 (hg19) VCF-style: chr12-103248987-TG-T.
Other names: NM_000277.2(PAH):c.632delC; c.632delC (NM_000277.2); c.632del, p.Pro211fs (NM_001354304.2); short protein forms P211fs.
Identifiers: ClinVar variation 102767 (VCV000102767.17), dbSNP rs62514929, ClinGen allele CA229667.

ClinVar aggregate classification (germline): Pathogenic. Review status: reviewed by expert panel (3 of 4 stars). 7 submissions from 7 submitters: Pathogenic (1). 6 of the submissions do not count toward it. Last evaluated 2018-12-09.

Conditions:
Phenylketonuria (PKU). Also called: Phenylketonuria (PKU); FOLLING DISEASE; OLIGOPHRENIA PHENYLPYRUVICA; Phenylketonurias. Identifiers: Orphanet 716, MedGen C0031485, MONDO:0009861, OMIM 261600. Disease mechanism: loss of function.

Submissions (7):

ClinGen PAH Variant Curation Expert Panel
Classification: Pathogenic for Phenylketonuria. Last evaluated: 2018-12-09. Review status: reviewed by expert panel. Criteria: ClinGen PAH ACMG Specifications v1. Collection method: curation. Allele origin: germline. Inheritance: Autosomal recessive inheritance.
Comment: The c.632delC (p.Pro211Hisfs) variant in PAH leads to a frameshift at amino acid 211/432. It is identified with low frequency in population databases (1.648e-5). It has been identified in two individuals with Phenylketonuria as a homozygous variant and in trans with c.1066-11G>A (PMID: 26413448; 26666653). It has been described in multiple patients with PKU, although a defect in BH4 metabolism has not been excluded as a cause of elevated phenylalanine in any case. In summary, this variant meets criteria to be classified as pathogenic for PAH. PAH-specific ACMG/AMP criteria applied: PVS1, PM2, PM3, PP4.

Natera, Inc.
Classification: Pathogenic for Phenylketonuria. Last evaluated: 2024-07-03. Review status: criteria provided, single submitter. Criteria: Natera Variant Classification Schema (03/2026). Collection method: clinical testing. Allele origin: germline. Not counted in ClinVar's aggregate classification.
Comment: The c.632delC variant in PAH is a frameshift variant predicted to shift the reading frame beginning at codon 211 and leads to a stop codon 130 codons downstream. This variant is expected to result in nonsense mediated decay, truncation, or a dysfunctional protein product. This variant is rare in the general population with a frequency below the threshold expected for the associated phenotype(s). This variant has been observed in one or more individuals affected with the associated recessive disease, as either homozygous or compound heterozygous with a second variant (PMID: 23942198, 26666653). Given the available evidence, this variant is classified as Pathogenic.

Labcorp Genetics (formerly Invitae), Labcorp
Classification: Pathogenic for Phenylketonuria. Last evaluated: 2024-01-12. Review status: criteria provided, single submitter. Criteria: Invitae Variant Classification Sherloc (09022015). Collection method: clinical testing. Allele origin: germline. Not counted in ClinVar's aggregate classification.
Comment: This sequence change creates a premature translational stop signal (p.Pro211Hisfs*130) in the PAH gene. It is expected to result in an absent or disrupted protein product. Loss-of-function variants in PAH are known to be pathogenic (PMID: 1301187, 9634518). This variant is present in population databases (rs62514929, gnomAD 0.01%). This premature translational stop signal has been observed in individual(s) with clinical features of hyperphenylalaninemia (PMID: 8659548, 26413448). ClinVar contains an entry for this variant (Variation ID: 102767). For these reasons, this variant has been classified as Pathogenic.

Baylor Genetics
Classification: Pathogenic for Phenylketonuria. Last evaluated: 2022-08-05. Review status: criteria provided, single submitter. Criteria: ACMG Guidelines, 2015. Collection method: clinical testing. Allele origin: unknown. Not counted in ClinVar's aggregate classification.

Women's Health and Genetics/Laboratory Corporation of America, LabCorp
Classification: Pathogenic for Phenylketonuria. Last evaluated: 2020-07-30. Review status: criteria provided, single submitter. Criteria: LabCorp Variant Classification Summary - May 2015. Collection method: clinical testing. Allele origin: germline. Not counted in ClinVar's aggregate classification.
Comment: Variant summary: PAH c.632delC (p.Pro211HisfsX130) results in a premature termination codon, predicted to cause a truncation of the encoded protein or absence of the protein due to nonsense mediated decay, which are commonly known mechanisms for disease. Truncations downstream of this position have been classified as pathogenic by our laboratory. The variant allele was found at a frequency of 8e-06 in 251336 control chromosomes. c.632delC has been reported in the literature in individuals affected with Phenylalanine Hydroxylase Deficiency (Phenylketonuria) (example, Jeannesson-Thivisol_2015, Biglari_2015, Guldberg_1996). These data indicate that the variant is likely to be associated with disease. At least one publication reports indirect experimental evidence as having been identified in homozygosity in a patient with a confirmed biochemical, enzymatic and clinical diagnosis of classic PAH (example, Biglari_2015). One clinical diagnostic laboratory and one expert panel (ClinGen PAH Variant Curation Expert Panel) have submitted clinical-significance assessments for this variant to ClinVar after 2014 without evidence for independent evaluation. All submitters classified the variant as pathogenic. Based on the evidence outlined above, the variant was classified as pathogenic.

Counsyl
Classification: Pathogenic for Phenylketonuria. Last evaluated: 2016-03-17. Review status: no assertion criteria provided. Collection method: clinical testing. Allele origin: unknown. Not counted in ClinVar's aggregate classification.

DeBelle Laboratory for Biochemical Genetics, MUHC/MCH RESEARCH INSTITUTE
No classification provided. Review status: no classification provided. Collection method: not provided. Allele origin: not provided. Not counted in ClinVar's aggregate classification.

Literature cited by the submitters: PubMed 26413448 (cited by 4 submitters); PubMed 26666653 (cited by 4 submitters); PubMed 23942198 (cited by Natera, Inc. and Counsyl); PubMed 1301187 (cited by Labcorp Genetics (formerly Invitae), Labcorp); PubMed 9634518 (cited by Labcorp Genetics (formerly Invitae), Labcorp); PubMed 8659548 (cited by 3 submitters); PubMed 17502162 (cited by Counsyl); PubMed 18299955 (cited by Counsyl); PubMed 23430918 (cited by Counsyl).